The following is an entry in ClinVar:

ClinVar aggregate classification (germline): Conflicting classifications of pathogenicity. Review status: criteria provided, conflicting classifications (1 of 4 stars). 3 submissions from 3 submitters: Uncertain significance (2); Benign (1). Last evaluated 2025-05-03.

Conditions:
Adams-Oliver syndrome 5 (AOS5). Identifiers: Orphanet 974, MedGen C4014970, MONDO:0014459, OMIM 616028.
Familial thoracic aortic aneurysm and aortic dissection (TAAD). Also called: Thoracic aortic aneurysms and dissections. Identifiers: Orphanet 91387, MedGen C4707243, MONDO:0019625.

Allele frequency attached by ClinVar (database versions not stated): gnomAD exomes below 0.00001 and 0.00001; gnomAD 0.00001; TOPMed 0.00001; ExAC 0.00002.
gnomAD v4.1: 5 of 1,609,512 alleles (0.00031%); highest among the groups gnomAD compares: East Asian, 0.0022%; no homozygotes.

Submissions (3):

Ambry Genetics
Classification: Uncertain significance for Familial thoracic aortic aneurysm and aortic dissection. Last evaluated: 2025-05-03. Review status: criteria provided, single submitter. Criteria: Ambry Variant Classification Scheme 2023. Collection method: clinical testing. Allele origin: germline.
Comment: The p.P2227L variant (also known as c.6680C>T), located in coding exon 34 of the NOTCH1 gene, results from a C to T substitution at nucleotide position 6680. The proline at codon 2227 is replaced by leucine, an amino acid with similar properties. This amino acid position is conserved. In addition, the in silico prediction for this alteration is inconclusive. Based on the available evidence, the clinical significance of this variant remains unclear.

Labcorp Genetics (formerly Invitae), Labcorp
Classification: Benign for Adams-Oliver syndrome 5. Last evaluated: 2022-10-15. Review status: criteria provided, single submitter. Criteria: Invitae Variant Classification Sherloc (09022015). Collection method: clinical testing. Allele origin: germline.

GeneDx
Classification: Uncertain significance. Last evaluated: 2019-08-05. Review status: criteria provided, single submitter. Criteria: GeneDx Variant Classification Process June 2021. Collection method: clinical testing. Allele origin: germline. Affected: yes.
Comment: Has not been previously published as pathogenic or benign to our knowledge; Not observed at a significant frequency in large population cohorts (Lek et al., 2016); In silico analysis, which includes protein predictors and evolutionary conservation, supports a deleterious effect

NM_017617.5(NOTCH1):c.6680C>T (p.Pro2227Leu)

Gene: NOTCH1 (notch receptor 1; minus strand). Cytogenetic location: 9q34.3.
Variant type: single nucleotide variant.
Coding change: c.6680C>T on transcript NM_017617.5 (MANE Select); coding-DNA position 6680, C replaced by T.
Protein change: p.Pro2227Leu; replaces proline 2227 with leucine.
Molecular consequence: missense variant.
Genome position (GRCh38, 1-based): chr9:136,497,059, G>A on the plus strand (C>T on the coding strand, the complement: NOTCH1 is on the minus strand). VCF-style: chr9-136497059-G-A. GRCh37 (hg19) VCF-style: chr9-139391511-G-A.
Other names: short protein forms P2227L.
Identifiers: ClinVar variation 1216571 (VCV001216571.9), dbSNP rs751456570, ClinGen allele CA5339846.